The following is an entry in ClinVar:

NM_133372.3(FNIP1):c.455G>A (p.Arg152His)

Gene: FNIP1 (folliculin interacting protein 1; minus strand). Cytogenetic location: 5q31.1.
Variant type: single nucleotide variant.
Coding change: c.455G>A on transcript NM_133372.3 (MANE Select); coding-DNA position 455, G replaced by A.
Protein change: p.Arg152His; replaces arginine 152 with histidine.
Molecular consequence: missense variant.
Genome position (GRCh38, 1-based): chr5:131,719,317, C>T on the plus strand (G>A on the coding strand, the complement: FNIP1 is on the minus strand). VCF-style: chr5-131719317-C-T. GRCh37 (hg19) VCF-style: chr5-131055010-C-T.
Other names: c.455G>A, p.Arg152His (NM_001008738.3, NM_001346113.2); c.320G>A, p.Arg107His (NM_001346114.2); short protein forms R107H, R152H.
Identifiers: ClinVar variation 4806077 (VCV004806077.1).

ClinVar aggregate classification (germline): Uncertain significance (1 of 4 stars; one submission).

gnomAD v4.1: 4 of 1,598,116 alleles (0.00025%); highest among the groups gnomAD compares: South Asian, 0.0011%; no homozygotes.

Submission:

Labcorp Genetics (formerly Invitae), Labcorp
Classification: Uncertain significance. Last evaluated: 2026-01-25. Review status: criteria provided, single submitter. Criteria: Invitae Variant Classification Sherloc (09022015). Collection method: clinical testing. Allele origin: germline.
Comment: This sequence change replaces arginine, which is basic and polar, with histidine, which is basic and polar, at codon 152 of the FNIP1 protein (p.Arg152His). This variant also falls at the last nucleotide of exon 4, which is part of the consensus splice site for this exon. This variant is not present in population databases (gnomAD no frequency). This variant has not been reported in the literature in individuals affected with FNIP1-related conditions. An algorithm developed to predict the effect of missense changes on protein structure and function (PolyPhen-2) suggests that this variant is likely to be disruptive. Variants that disrupt the consensus splice site are a relatively common cause of aberrant splicing (PMID: 17576681, 9536098). Algorithms developed to predict the effect of sequence changes on RNA splicing suggest that this variant may disrupt the consensus splice site. In summary, the available evidence is currently insufficient to determine the role of this variant in disease. Therefore, it has been classified as a Variant of Uncertain Significance.

Literature cited by the submitters: PubMed 17576681; PubMed 9536098.